The following is an entry in ClinVar:

ClinVar aggregate classification (germline): Pathogenic (1 of 4 stars; one submission).

Conditions:
Fanconi anemia complementation group J. Also called: BRIP1-Related Fanconi Anemia. Identifiers: Orphanet 84, MedGen C1836860, MONDO:0012187, OMIM 609054.
Familial cancer of breast. Also called: BREAST CANCER, FAMILIAL; Hereditary breast cancer; hereditary breast carcinoma. Identifiers: Orphanet 227535, MedGen C0346153, MONDO:0016419, OMIM 114480. Disease mechanism: loss of function.

Submission:

Labcorp Genetics (formerly Invitae), Labcorp
Classification: Pathogenic for Familial cancer of breast; Fanconi anemia complementation group J. Last evaluated: 2024-05-23. Review status: criteria provided, single submitter. Criteria: Invitae Variant Classification Sherloc (09022015). Collection method: clinical testing. Allele origin: germline.
Comment: This sequence change creates a premature translational stop signal (p.Pro517Leufs*4) in the BRIP1 gene. It is expected to result in an absent or disrupted protein product. Loss-of-function variants in BRIP1 are known to be pathogenic (PMID: 16116423, 17033622, 21964575). This variant is not present in population databases (gnomAD no frequency). This variant has not been reported in the literature in individuals affected with BRIP1-related conditions. Algorithms developed to predict the effect of sequence changes on RNA splicing suggest that this variant may disrupt the consensus splice site. For these reasons, this variant has been classified as Pathogenic.

Literature cited by the submitters: PubMed 16116423; PubMed 17033622; PubMed 21964575.

NM_032043.3(BRIP1):c.1549_1550insT (p.Pro517fs)

Gene: BRIP1 (BRCA1 interacting DNA helicase 1; minus strand). Cytogenetic location: 17q23.2.
Variant type: Insertion.
Coding change: c.1549_1550insT on transcript NM_032043.3 (MANE Select); coding-DNA positions 1549 to 1550, T inserted.
Protein change: p.Pro517fs; shifts the reading frame from proline 517.
Molecular consequence: frameshift variant.
Genome position: GRCh38 VCF-style: chr17-61784348-G-GA. GRCh37 (hg19) VCF-style: chr17-59861709-G-GA.
Other names: short protein forms P517fs.
Identifiers: ClinVar variation 3754263 (VCV003754263.2).